The following is an entry in ClinVar:

NM_000293.3(PHKB):c.1363+13G>T

Gene: PHKB (phosphorylase kinase regulatory subunit beta; plus strand). Cytogenetic location: 16q12.1.
Variant type: single nucleotide variant.
Coding change: c.1363+13G>T on transcript NM_000293.3 (MANE Select); 13 bases into the intron after coding-DNA position 1363, G replaced by T.
Molecular consequence: intron variant.
Genome position (GRCh38, 1-based): chr16:47,596,544, G>T. VCF-style: chr16-47596544-G-T. GRCh37 (hg19) VCF-style: chr16-47630455-G-T.
Other names: c.1363+13G>T (NM_001363837.1); c.1342+13G>T (NM_001031835.3).
Identifiers: ClinVar variation 257171 (VCV000257171.19), dbSNP rs117536391, ClinGen allele CA8040775.
Genomic context (GRCh38, chr16:47,596,544, plus strand): 5'-AACTGTTTCTTTGGGGACAAGCACTTTATATCATCGCAAAACTCCTGGGTAAGTGGAGAA[G>T]ATTGGGAATGGTATTTTTTTCCTTGTTATTAAGCTATTAGAAATAAATATGCCTTTGCTG-3'

ClinVar aggregate classification (germline): Benign. Review status: criteria provided, multiple submitters, no conflicts (2 of 4 stars). 7 submissions from 7 submitters: Benign (6). 1 of the submissions does not count toward it. Last evaluated 2026-02-04.

Conditions:
Glycogen storage disease IXb (GSD9B). Also called: PHOSPHORYLASE KINASE DEFICIENCY OF LIVER AND MUSCLE, AUTOSOMAL RECESSIVE; GLYCOGENOSIS OF LIVER AND MUSCLE, AUTOSOMAL RECESSIVE; GSD IXb. Identifiers: Orphanet 79240, MedGen C0543514, MONDO:0009868, OMIM 261750.

Allele frequency attached by ClinVar (database versions not stated): 1000 Genomes Project 30x 0.00953; gnomAD 0.01252 and 0.01189; gnomAD exomes 0.01687 and 0.01655; ExAC 0.01761; 1000 Genomes Project 0.00978; TOPMed 0.01058; ESP Exome Variant Server 0.01292.
gnomAD v4.1: 26,426 of 1,610,608 alleles (1.6%); highest among the groups gnomAD compares: South Asian, 3.8%; 324 homozygotes.

Submissions (7):

Labcorp Genetics (formerly Invitae), Labcorp
Classification: Benign for Glycogen storage disease IXb. Last evaluated: 2026-02-04. Review status: criteria provided, single submitter. Criteria: Invitae Variant Classification Sherloc (09022015). Collection method: clinical testing. Allele origin: germline.

ARUP Laboratories, Molecular Genetics and Genomics, ARUP Laboratories
Classification: Benign for Glycogen storage disease IXb. Last evaluated: 2025-05-01. Review status: criteria provided, single submitter. Criteria: ARUP Molecular Germline Variant Investigation Process 2024. Collection method: clinical testing. Allele origin: germline.

Illumina Laboratory Services, Illumina
Classification: Benign for Glycogen storage disease IXb. Last evaluated: 2018-01-13. Review status: criteria provided, single submitter. Criteria: ICSL Variant Classification Criteria 13 December 2019. Collection method: clinical testing. Allele origin: germline.
Comment: This variant was observed in the ICSL laboratory as part of a predisposition screen in an ostensibly healthy population. It had not been previously curated by ICSL or reported in the Human Gene Mutation Database (HGMD: prior to June 1st, 2018), and was therefore a candidate for classification through an automated scoring system. Utilizing variant allele frequency, disease prevalence and penetrance estimates, and inheritance mode, an automated score was calculated to assess if this variant is too frequent to cause the disease. Based on the score and internal cut-off values, a variant classified as benign is not then subjected to further curation. The score for this variant resulted in a classification of benign for this disease.

GeneDx
Classification: Benign. Last evaluated: 2016-03-17. Review status: criteria provided, single submitter. Criteria: GeneDx Variant Classification (06012015). Collection method: clinical testing. Allele origin: germline. Affected: yes.
Comment: This variant is considered likely benign or benign based on one or more of the following criteria: it is a conservative change, it occurs at a poorly conserved position in the protein, it is predicted to be benign by multiple in silico algorithms, and/or has population frequency not consistent with disease.

Breakthrough Genomics
Classification: Benign. Review status: criteria provided, single submitter. Criteria: ACMG Guidelines, 2015. Collection method: not provided. Allele origin: germline. Inheritance: Autosomal recessive inheritance. Affected: yes.

PreventionGenetics, part of Exact Sciences
Classification: Benign. Review status: criteria provided, single submitter. Criteria: ACMG Guidelines, 2015. Collection method: clinical testing. Allele origin: germline.

Mayo Clinic Laboratories, Mayo Clinic
Classification: Benign. Last evaluated: 2017-06-07. Review status: no assertion criteria provided. Collection method: clinical testing. Allele origin: unknown. Not counted in ClinVar's aggregate classification.